The following is an entry in ClinVar:

ClinVar aggregate classification (germline): Conflicting classifications of pathogenicity. Review status: criteria provided, conflicting classifications (1 of 4 stars). 5 submissions from 5 submitters: Uncertain significance (1); Likely benign (2). 2 of the submissions do not count toward it. Last evaluated 2025-07-01.

Allele frequency attached by ClinVar (database versions not stated): 1000 Genomes Project 30x 0.00078; 1000 Genomes Project 0.00080; TOPMed 0.00080; gnomAD 0.00085 and 0.00088; ExAC 0.00104; gnomAD exomes 0.00109 and 0.00122; ESP Exome Variant Server 0.00115.
gnomAD v4.1: 1,910 of 1,613,904 alleles (0.12%); highest among the groups gnomAD compares: Non-Finnish European, 0.13%; 2 homozygotes.

Submissions (5):

CeGaT Center for Human Genetics Tuebingen
Classification: Likely benign. Last evaluated: 2025-07-01. Review status: criteria provided, single submitter. Criteria: CeGaT Center For Human Genetics Tuebingen Variant Classification Criteria Version 2. Collection method: clinical testing. Allele origin: germline. Affected: yes. Observed: 4 variant alleles.
Comment: FMN2: BP4, BS2

Blueprint Genetics
Classification: Likely benign. Last evaluated: 2024-11-11. Review status: criteria provided, single submitter. Criteria: ACMG Guidelines, 2015. Collection method: clinical testing. Allele origin: germline.

Eurofins Ntd Llc (ga)
Classification: Uncertain significance. Last evaluated: 2017-09-01. Review status: criteria provided, single submitter. Criteria: EGL Classification Definitions 2015. Collection method: clinical testing. Allele origin: germline. Observed: 1 variant allele, 1 heterozygote.

Clinical Genetics DNA and cytogenetics Diagnostics Lab, Erasmus MC, Erasmus Medical Center
Classification: Likely benign. Review status: no assertion criteria provided. Collection method: clinical testing. Allele origin: germline. Affected: yes. Study: VKGL Data-share Consensus. Not counted in ClinVar's aggregate classification.

Laboratory of Diagnostic Genome Analysis, Leiden University Medical Center (LUMC)
Classification: Likely benign. Review status: no assertion criteria provided. Collection method: clinical testing. Allele origin: germline. Affected: yes. Study: VKGL Data-share Consensus. Not counted in ClinVar's aggregate classification.

NM_020066.5(FMN2):c.2572C>A (p.Pro858Thr)

Gene: FMN2 (formin 2; plus strand). Cytogenetic location: 1q43.
Variant type: single nucleotide variant.
Coding change: c.2572C>A on transcript NM_020066.5 (MANE Select); coding-DNA position 2572, C replaced by A.
Protein change: p.Pro858Thr; replaces proline 858 with threonine.
Molecular consequence: missense variant. On other transcripts: intron variant (1).
Genome position (GRCh38, 1-based): chr1:240,207,384, C>A. VCF-style: chr1-240207384-C-A. GRCh37 (hg19) VCF-style: chr1-240370684-C-A.
Other names: c.2584C>A, p.Pro862Thr (NM_001305424.2); c.1986+19122C>A (NM_001348094.2); short protein forms P858T, P862T.
Identifiers: ClinVar variation 593940 (VCV000593940.30), dbSNP rs140315493, ClinGen allele CA1476659.